The following is an entry in ClinVar:

NM_152328.5(ADSS1):c.1214C>T (p.Thr405Met)

Gene: ADSS1 (adenylosuccinate synthase 1; plus strand). Cytogenetic location: 14q32.33.
Variant type: single nucleotide variant.
Coding change: c.1214C>T on transcript NM_152328.5 (MANE Select); coding-DNA position 1214, C replaced by T.
Protein change: p.Thr405Met; replaces threonine 405 with methionine.
Molecular consequence: missense variant.
Genome position (GRCh38, 1-based): chr14:104,746,278, C>T. VCF-style: chr14-104746278-C-T. GRCh37 (hg19) VCF-style: chr14-105212615-C-T.
Other names: c.599C>T, p.Thr200Met (NM_001320424.1); c.1343C>T, p.Thr448Met (NM_199165.2); short protein forms T405M, T448M, T200M.
Identifiers: ClinVar variation 4020613 (VCV004020613.2).

ClinVar aggregate classification (germline): Uncertain significance. Review status: criteria provided, multiple submitters, no conflicts (2 of 4 stars). 2 submissions from 2 submitters: Uncertain significance (2). Last evaluated 2025-09-20.

Conditions:
Inborn genetic diseases. Identifiers: MedGen C0950123, MeSH D030342.

gnomAD v4.1: 12 of 1,613,494 alleles (0.00074%); highest among the groups gnomAD compares: African/African-American, 0.0027%; no homozygotes.

Submissions (2):

Labcorp Genetics (formerly Invitae), Labcorp
Classification: Uncertain significance. Last evaluated: 2025-09-20. Review status: criteria provided, single submitter. Criteria: Invitae Variant Classification Sherloc (09022015). Collection method: clinical testing. Allele origin: germline.
Comment: This sequence change replaces threonine, which is neutral and polar, with methionine, which is neutral and non-polar, at codon 448 of the ADSSL1 protein (p.Thr448Met). This variant is present in population databases (rs779075124, gnomAD 0.008%). This variant has not been reported in the literature in individuals affected with ADSSL1-related conditions. ClinVar contains an entry for this variant (Variation ID: 4020613). An algorithm developed to predict the effect of missense changes on protein structure and function (PolyPhen-2) suggests that this variant is likely to be disruptive. In summary, the available evidence is currently insufficient to determine the role of this variant in disease. Therefore, it has been classified as a Variant of Uncertain Significance.

Ambry Genetics
Classification: Uncertain significance for Inborn genetic diseases. Last evaluated: 2025-04-19. Review status: criteria provided, single submitter. Criteria: Ambry Variant Classification Scheme 2023. Collection method: clinical testing. Allele origin: germline.